The following is an entry in ClinVar:

ClinVar aggregate classification (germline): Uncertain significance (1 of 4 stars; one submission).

gnomAD v4.1: 2 of 1,613,892 alleles (0.00012%); highest among the groups gnomAD compares: East Asian, 0.0022%; no homozygotes.

Submission:

Labcorp Genetics (formerly Invitae), Labcorp
Classification: Uncertain significance. Last evaluated: 2024-03-07. Review status: criteria provided, single submitter. Criteria: Invitae Variant Classification Sherloc (09022015). Collection method: clinical testing. Allele origin: germline.
Comment: This sequence change replaces proline, which is neutral and non-polar, with serine, which is neutral and polar, at codon 712 of the DCHS1 protein (p.Pro712Ser). This variant is present in population databases (rs769883993, gnomAD 0.0009%). This variant has not been reported in the literature in individuals affected with DCHS1-related conditions. Advanced modeling of protein sequence and biophysical properties (such as structural, functional, and spatial information, amino acid conservation, physicochemical variation, residue mobility, and thermodynamic stability) performed at Invitae indicates that this missense variant is not expected to disrupt DCHS1 protein function with a negative predictive value of 80%. In summary, the available evidence is currently insufficient to determine the role of this variant in disease. Therefore, it has been classified as a Variant of Uncertain Significance.

NM_003737.4(DCHS1):c.2134C>T (p.Pro712Ser)

Gene: DCHS1 (dachsous cadherin-related 1; minus strand). Cytogenetic location: 11p15.4.
Variant type: single nucleotide variant.
Coding change: c.2134C>T on transcript NM_003737.4 (MANE Select); coding-DNA position 2134, C replaced by T.
Protein change: p.Pro712Ser; replaces proline 712 with serine.
Molecular consequence: missense variant.
Genome position (GRCh38, 1-based): chr11:6,633,873, G>A on the plus strand (C>T on the coding strand, the complement: DCHS1 is on the minus strand). VCF-style: chr11-6633873-G-A. GRCh37 (hg19) VCF-style: chr11-6655104-G-A.
Other names: short protein forms P712S.
Identifiers: ClinVar variation 3693953 (VCV003693953.2).